The following is an entry in ClinVar:

ClinVar aggregate classification (germline): Uncertain significance. Review status: criteria provided, multiple submitters, no conflicts (2 of 4 stars). 3 submissions from 3 submitters: Uncertain significance (3). Last evaluated 2025-07-09.

Conditions:
COL4A1-related disorder. Also called: COL4A1-related condition; COL4A1-related disorders. Identifiers: MedGen CN376119, MONDO:0800461.

gnomAD v4.1: 46 of 1,613,760 alleles (0.0029%); highest among the groups gnomAD compares: Middle Eastern, 0.017%; no homozygotes.

Submissions (3):

Labcorp Genetics (formerly Invitae), Labcorp
Classification: Uncertain significance. Last evaluated: 2025-07-09. Review status: criteria provided, single submitter. Criteria: Invitae Variant Classification Sherloc (09022015). Collection method: clinical testing. Allele origin: germline.
Comment: This sequence change replaces lysine, which is basic and polar, with arginine, which is basic and polar, at codon 540 of the COL4A1 protein (p.Lys540Arg). This variant is present in population databases (rs771824175, gnomAD 0.003%). This missense change has been observed in individual(s) with COL4A1-related conditions (PMID: 32335342). ClinVar contains an entry for this variant (Variation ID: 3380168). Invitae Evidence Modeling of protein sequence and biophysical properties (such as structural, functional, and spatial information, amino acid conservation, physicochemical variation, residue mobility, and thermodynamic stability) indicates that this missense variant is not expected to disrupt COL4A1 protein function with a negative predictive value of 95%. In summary, the available evidence is currently insufficient to determine the role of this variant in disease. Therefore, it has been classified as a Variant of Uncertain Significance.

PreventionGenetics, part of Exact Sciences
Classification: Uncertain significance for COL4A1-related condition. Last evaluated: 2025-06-18. Review status: criteria provided, single submitter. Criteria: ACMG Guidelines, 2015. Collection method: clinical testing. Allele origin: germline.
Comment: The COL4A1 c.1619A>G variant is predicted to result in the amino acid substitution p.Lys540Arg. This variant was reported in three family members with cerebral small vessel disease (Russo et al. 2020. PubMed ID: 32335342). This variant is reported in 0.0026% of alleles in individuals of European (Non-Finnish) descent in gnomAD. At this time, the clinical significance of this variant is uncertain due to the absence of conclusive functional and genetic evidence.

Mayo Clinic Laboratories, Mayo Clinic
Classification: Uncertain significance. Last evaluated: 2023-06-20. Review status: criteria provided, single submitter. Criteria: ACMG Guidelines, 2015. Collection method: clinical testing. Allele origin: germline. Observed: 1 variant allele.
Comment: PP1

Literature cited by the submitters: PubMed 32335342 (cited by Labcorp Genetics (formerly Invitae), Labcorp and Mayo Clinic Laboratories, Mayo Clinic); PubMed 35699195 (cited by Mayo Clinic Laboratories, Mayo Clinic).

NM_001845.6(COL4A1):c.1619A>G (p.Lys540Arg)

Gene: COL4A1 (collagen type IV alpha 1 chain; minus strand). Cytogenetic location: 13q34.
Variant type: single nucleotide variant.
Coding change: c.1619A>G on transcript NM_001845.6 (MANE Select); coding-DNA position 1619, A replaced by G.
Protein change: p.Lys540Arg; replaces lysine 540 with arginine.
Molecular consequence: missense variant.
Genome position (GRCh38, 1-based): chr13:110,187,247, T>C on the plus strand (A>G on the coding strand, the complement: COL4A1 is on the minus strand). VCF-style: chr13-110187247-T-C. GRCh37 (hg19) VCF-style: chr13-110839594-T-C.
Other names: p.Lys540Arg; c.1619A>G (NM_001845.5); short protein forms K540R.
Identifiers: ClinVar variation 3380168 (VCV003380168.3).